The following is an entry in ClinVar:

ClinVar aggregate classification (germline): Conflicting classifications of pathogenicity. Review status: criteria provided, conflicting classifications (1 of 4 stars). 6 submissions from 6 submitters: Uncertain significance (2); Likely benign (4). Last evaluated 2026-01-13.

Conditions:
Hereditary cancer-predisposing syndrome. Also called: Tumor predisposition; Neoplastic Syndromes, Hereditary; Hereditary Cancer Syndrome; Hereditary neoplastic syndrome. Identifiers: Orphanet 140162, MedGen C0027672, MeSH D009386, MONDO:0015356.
Tuberous sclerosis syndrome (TSC). Also called: Tuberous Sclerosis Complex; Tuberous sclerosis. Identifiers: Orphanet 805, MedGen C0041341, MONDO:0001734.
Tuberous sclerosis 2 (TSC2). Identifiers: Orphanet 805, MedGen C1860707, MONDO:0013199, OMIM 613254.

Allele frequency attached by ClinVar (database versions not stated): gnomAD 0.00003; TOPMed 0.00004; ExAC 0.00006.
gnomAD v4.1: 46 of 1,597,084 alleles (0.0029%); highest among the groups gnomAD compares: Non-Finnish European, 0.0035%; no homozygotes.

Submissions (6):

Labcorp Genetics (formerly Invitae), Labcorp
Classification: Likely benign for Tuberous sclerosis 2. Last evaluated: 2026-01-13. Review status: criteria provided, single submitter. Criteria: Invitae Variant Classification Sherloc (09022015). Collection method: clinical testing. Allele origin: germline.

All of Us Research Program, National Institutes of Health
Classification: Uncertain significance for Tuberous sclerosis syndrome. Last evaluated: 2024-08-13. Review status: criteria provided, single submitter. Criteria: ACMG Guidelines, 2015. Collection method: clinical testing. Allele origin: germline. Inheritance: Autosomal dominant inheritance. Observed: 11 variant alleles, 11 heterozygotes.
Comment: This missense variant replaces arginine with glutamine at codon 680 of the TSC2 protein. Computational prediction is inconclusive regarding the impact of this variant on protein structure and function (internally defined REVEL score threshold 0.5 < inconclusive < 0.7, PMID: 27666373). To our knowledge, functional studies have not been reported for this variant. This variant has not been reported in individuals affected with tuberous sclerosis complex in the literature. This variant has been identified in 5/247846 chromosomes in the general population by the Genome Aggregation Database (gnomAD). The available evidence is insufficient to determine the role of this variant in disease conclusively. Therefore, this variant is classified as a Variant of Uncertain Significance.

This study involves interpretation of variants in research participants for the purpose of population health screening. Participant phenotype was not available at the time of variant classification. Additional details can be found in publication PMID: 35346344, PMCID: PMC8962531

Color Diagnostics, LLC DBA Color Health
Classification: Uncertain significance for Tuberous sclerosis syndrome. Last evaluated: 2024-03-06. Review status: criteria provided, single submitter. Criteria: ACMG Guidelines, 2015. Collection method: clinical testing. Allele origin: germline.
Comment: This missense variant replaces arginine with glutamine at codon 680 of the TSC2 protein. Computational prediction is inconclusive regarding the impact of this variant on protein structure and function. To our knowledge, functional studies have not been reported for this variant. This variant has not been reported in individuals affected with TSC2-related disorders in the literature. This variant has been identified in 5/247846 chromosomes in the general population by the Genome Aggregation Database (gnomAD). The available evidence is insufficient to determine the role of this variant in disease conclusively. Therefore, this variant is classified as a Variant of Uncertain Significance.

Genome-Nilou Lab
Classification: Likely benign for Tuberous sclerosis 2. Last evaluated: 2021-11-07. Review status: criteria provided, single submitter. Criteria: ACMG Guidelines, 2015. Collection method: clinical testing. Allele origin: germline. Affected: no.

Ambry Genetics
Classification: Likely benign for Hereditary cancer-predisposing syndrome. Last evaluated: 2021-04-27. Review status: criteria provided, single submitter. Criteria: Ambry Variant Classification Scheme 2023. Collection method: clinical testing. Allele origin: germline.

GeneDx
Classification: Likely benign. Last evaluated: 2018-12-14. Review status: criteria provided, single submitter. Criteria: GeneDx Variant Classification Process June 2021. Collection method: clinical testing. Allele origin: germline. Affected: yes.

NM_000548.5(TSC2):c.2039G>A (p.Arg680Gln)

Gene: TSC2 (TSC complex subunit 2; plus strand). Cytogenetic location: 16p13.3.
Variant type: single nucleotide variant.
Coding change: c.2039G>A on transcript NM_000548.5 (MANE Select); coding-DNA position 2039, G replaced by A.
Protein change: p.Arg680Gln; replaces arginine 680 with glutamine.
Molecular consequence: missense variant.
Genome position (GRCh38, 1-based): chr16:2,071,876, G>A. VCF-style: chr16-2071876-G-A. GRCh37 (hg19) VCF-style: chr16-2121877-G-A.
Other names: c.2039G>A, p.Arg680Gln (NM_001077183.3, NM_001114382.3, NM_001363528.2 and 3 more transcripts); c.1928G>A, p.Arg643Gln (NM_001318827.2); c.1892G>A, p.Arg631Gln (NM_001318829.2); c.1439G>A, p.Arg480Gln (NM_001318831.2); c.2072G>A, p.Arg691Gln (NM_001318832.2); short protein forms R680Q, R480Q, R691Q, R631Q, R643Q.
Identifiers: ClinVar variation 406003 (VCV000406003.32), dbSNP rs756536921, ClinGen allele CA035970.